The following is an entry in ClinVar:

NM_001283009.2(RTEL1):c.1722+3G>A

Genes: RTEL1 (regulator of telomere elongation helicase 1; plus strand), RTEL1-TNFRSF6B (RTEL1-TNFRSF6B readthrough (NMD candidate); plus strand). Cytogenetic location: 20q13.33.
Variant type: single nucleotide variant.
Coding change: c.1722+3G>A on transcript NM_001283009.2 (MANE Select); 3 bases into the intron after coding-DNA position 1722, G replaced by A.
Molecular consequence: intron variant.
Genome position (GRCh38, 1-based): chr20:63,688,389, G>A. VCF-style: chr20-63688389-G-A. GRCh37 (hg19) VCF-style: chr20-62319742-G-A.
Other names: c.1053+3G>A (NM_001283010.1); c.1794+3G>A (NM_032957.5); c.1722+3G>A (NM_016434.4).
Identifiers: ClinVar variation 1431117 (VCV001431117.6), dbSNP rs200599544, ClinGen allele CA9964926.

ClinVar aggregate classification (germline): Uncertain significance. Review status: criteria provided, multiple submitters, no conflicts (2 of 4 stars). 2 submissions from 2 submitters: Uncertain significance (2). Last evaluated 2025-11-04.

Conditions:
Pulmonary fibrosis and/or bone marrow failure, Telomere-related, 3. Also called: PULMONARY FIBROSIS AND/OR BONE MARROW FAILURE SYNDROME, TELOMERE-RELATED, 3. Identifiers: Orphanet 2032, MedGen C4225346, MONDO:0014613, OMIM 616373.
Dyskeratosis congenita, autosomal recessive 5 (DKCB5). Identifiers: MedGen C3554656, MONDO:0014076, OMIM 615190.

Allele frequency attached by ClinVar (database versions not stated): TOPMed 0.00005; gnomAD exomes 0.00009 and 0.00008; 1000 Genomes Project 30x 0.00016; 1000 Genomes Project 0.00020; gnomAD 0.00007; ExAC 0.00012.
gnomAD v4.1: 134 of 1,612,522 alleles (0.0083%); highest among the groups gnomAD compares: East Asian, 0.27%; no homozygotes.

Submissions (2):

Labcorp Genetics (formerly Invitae), Labcorp
Classification: Uncertain significance for Dyskeratosis congenita, autosomal recessive 5; Pulmonary fibrosis and/or bone marrow failure, Telomere-related, 3. Last evaluated: 2025-11-04. Review status: criteria provided, single submitter. Criteria: Invitae Variant Classification Sherloc (09022015). Collection method: clinical testing. Allele origin: germline.
Comment: This sequence change falls in intron 20 of the RTEL1 gene. It does not directly change the encoded amino acid sequence of the RTEL1 protein. It affects a nucleotide within the consensus splice site. This variant is present in population databases (rs200599544, gnomAD 0.1%). This variant has not been reported in the literature in individuals affected with RTEL1-related conditions. ClinVar contains an entry for this variant (Variation ID: 1431117). Variants that disrupt the consensus splice site are a relatively common cause of aberrant splicing (PMID: 17576681, 9536098). Algorithms developed to predict the effect of sequence changes on RNA splicing suggest that this variant is not likely to affect RNA splicing. In summary, the available evidence is currently insufficient to determine the role of this variant in disease. Therefore, it has been classified as a Variant of Uncertain Significance.

Fulgent Genetics
Classification: Uncertain significance for Dyskeratosis congenita, autosomal recessive 5; Pulmonary fibrosis and/or bone marrow failure, Telomere-related, 3. Last evaluated: 2024-01-17. Review status: criteria provided, single submitter. Criteria: ACMG Guidelines, 2015. Collection method: clinical testing. Allele origin: germline.

Literature cited by the submitters: PubMed 17576681 (cited by Labcorp Genetics (formerly Invitae), Labcorp); PubMed 9536098 (cited by Labcorp Genetics (formerly Invitae), Labcorp).